The following is an entry in ClinVar:

ClinVar aggregate classification (germline): Likely pathogenic. Review status: reviewed by expert panel (3 of 4 stars). 3 submissions from 3 submitters: Likely pathogenic (1). 2 of the submissions do not count toward it. Last evaluated 2025-11-19.

Conditions:
CYP1B1-related glaucoma with or without anterior segment dysgenesis. Identifiers: MedGen CN375931, MONDO:0800472.
Glaucoma 3A. Also called: Glaucoma 3, primary congenital, A. Identifiers: Orphanet 98976, Orphanet 98977, MedGen C1856439, MONDO:0009277, OMIM 231300.
Primary congenital glaucoma. Also called: Primary congenital glaucoma (disease). Identifiers: MedGen C1533041, MONDO:0000365, HP:0008007.

Allele frequency attached by ClinVar (database versions not stated): gnomAD exomes below 0.00001.

Submissions (3):

ClinGen Glaucoma Variant Curation Expert Panel
Classification: Likely pathogenic for CYP1B1-related glaucoma with or without anterior segment dysgenesis. Last evaluated: 2025-11-19. Review status: reviewed by expert panel. Criteria: ClinGen CYP1B1 ACMG Specifications V1 Approved. Collection method: curation. Allele origin: germline. Inheritance: Autosomal recessive inheritance.
Comment: The c.710C>A variant in CYP1B1 is a missense variant predicted to cause substitution of Alanine by Glutamic acid at amino acid 237 (p.Ala237Glu). The highest minor allele frequency of this variant was in the European (non-Finnish) genetic ancestry group of gnomAD (v4.1.0) = 0.0000008475 (1 allele out of 1,179,982), which met the ≤ 0.0005 threshold set for PM2_Supporting in a genetic ancestry group of at least 2,000 alleles. The REVEL score = 0.717, which was within the 0.644-0.772 range for PP3, predicting a damaging effect on CYP1B1 function. PS3_Supporting was not applied, as although the OddsPath threshold was met (> 2.1), the threshold for abnormal impact on protein function in the assays could not be determined (PMID: 27060699). This variant has been identified in four individuals with a CYP1B1-related phenotype. Two of these individuals are compound heterozygous for the variant and a pathogenic or likely pathogenic variant (1 phase unknown and 1 confirmed in trans) and two individuals are homozygous (non-consanguineous) (PMIDs: 21815720, 23218183, 25950505, ClinVar). Total proband points = 2.5, meeting PM3_Strong. In summary, this variant met the criteria to receive a score of 6 and to be classified as likely pathogenic (likely pathogenic classification range 6 to 9, adapted from PMID: 32720330) for CYP1B1-related glaucoma with or without anterior segment dysgenesis (ASD) based on the ACMG/AMP criteria met, as specified by the ClinGen Glaucoma VCEP (v1.0, 06.11.2025): PM3_Strong, PP3, PM2_Supporting.

Women's Health and Genetics/Laboratory Corporation of America, LabCorp
Classification: Pathogenic for Primary congenital glaucoma. Last evaluated: 2023-08-11. Review status: criteria provided, single submitter. Criteria: LabCorp Variant Classification Summary - May 2015. Collection method: clinical testing. Allele origin: germline. Not counted in ClinVar's aggregate classification.
Comment: Variant summary: CYP1B1 c.710C>A (p.Ala237Glu) results in a non-conservative amino acid change in the encoded protein sequence. Five of five in-silico tools predict a damaging effect of the variant on protein function. The variant was absent in 245946 control chromosomes (gnomAD). c.710C>A has been reported in the literature as a biallelic genotype in individuals affected with Primary Congenital Glaucoma and in a homozygous individual with juvenile open-angle glaucoma (e.g. Giuffre'_2011, Lopez-Garrido_2013, Souzeau_2015, Alsaif_2019). These data indicate that the variant is very likely to be associated with disease. At least one publication reports experimental evidence evaluating an impact on protein function in vitro and found that the variant results inapproximately 20% of normal activity (Medina-Trillo_2016). The following publications have been ascertained in the context of this evaluation (PMID: 29556725, 21815720, 23218183, 27060699, 25950505). One submitter has cited a clinical-significance assessment for this variant to ClinVar after 2014 and has classified the variant as likely pathogenic. Based on the evidence outlined above, the variant was classified as pathogenic.

Institute of Human Genetics, University of Leipzig Medical Center
Classification: Likely pathogenic for Glaucoma 3A. Last evaluated: 2022-01-19. Review status: criteria provided, single submitter. Criteria: ACMG Guidelines, 2015. Collection method: clinical testing. Allele origin: unknown. Affected: yes. Not counted in ClinVar's aggregate classification.
Comment: This variant was identified as homozygous._x000D_ Criteria applied: PS3_MOD, PM3, PM2_SUP, PP3

Literature cited by the submitters: PubMed 23218183 (cited by Women's Health and Genetics/Laboratory Corporation of America, LabCorp); PubMed 21815720 (cited by Women's Health and Genetics/Laboratory Corporation of America, LabCorp); PubMed 27060699 (cited by Women's Health and Genetics/Laboratory Corporation of America, LabCorp); PubMed 29556725 (cited by Women's Health and Genetics/Laboratory Corporation of America, LabCorp); PubMed 25950505 (cited by Women's Health and Genetics/Laboratory Corporation of America, LabCorp).

NM_000104.4(CYP1B1):c.710C>A (p.Ala237Glu)

Gene: CYP1B1 (cytochrome P450 family 1 subfamily B member 1; minus strand). Cytogenetic location: 2p22.2.
Variant type: single nucleotide variant.
Coding change: c.710C>A on transcript NM_000104.4 (MANE Select); coding-DNA position 710, C replaced by A.
Protein change: p.Ala237Glu; replaces alanine 237 with glutamic acid.
Molecular consequence: missense variant.
Genome position (GRCh38, 1-based): chr2:38,074,679, G>T on the plus strand (C>A on the coding strand, the complement: CYP1B1 is on the minus strand). VCF-style: chr2-38074679-G-T. GRCh37 (hg19) VCF-style: chr2-38301822-G-T.
Other names: NM_000104.4(CYP1B1):c.710C>A; p.Ala237Glu; c.710C>A (NM_000104.3); short protein forms A237E.
Identifiers: ClinVar variation 1338800 (VCV001338800.2), dbSNP rs2125316074, ClinGen allele CA346328674.